The following is an entry in ClinVar:

NM_001034853.2(RPGR):c.2802GGA[1] (p.Glu936del)

Gene: RPGR (retinitis pigmentosa GTPase regulator; minus strand). Cytogenetic location: Xp11.4.
Variant type: Microsatellite.
Coding change: c.2802GGA[1] on transcript NM_001034853.2 (MANE Select); one copy of the 3-base unit GGA starting at c.2802; the reference has two copies in a row; one copy, 3 bases deleted.
Protein change: p.Glu936del; deletes glutamic acid 936.
Molecular consequence: inframe deletion. On other transcripts: intron variant (8).
Genome position (GRCh38, 1-based): chrX:38,286,192-38,286,194, TCC deleted on the plus strand (GGA on the coding strand, the reverse complement: RPGR is on the minus strand); deleting any 3 consecutive bases within chrX:38,286,192-38,286,199 gives the same sequence; the position shown is the placement nearest the transcript's 3' end. VCF-style (leftmost placement, unchanged base first): chrX-38286191-TTCC-T. GRCh37 (hg19) VCF-style: chrX-38145444-TTCC-T.
Other names: c.1569+4765_1569+4767del (NM_001367249.1, NM_001367250.1); c.1902+900_1902+902del (NM_001367245.1); c.1386+4765_1386+4767del (NM_001367251.1); c.1719+900_1719+902del (NM_001367246.1); c.1572+4765_1572+4767del (NM_001367247.1); c.1905+900_1905+902del (NM_000328.3); c.1602+4765_1602+4767del (NM_001367248.1); short protein forms E936del.
Identifiers: ClinVar variation 1492006 (VCV001492006.8), dbSNP rs1238945219, ClinGen allele CA412729732.

ClinVar aggregate classification (germline): Conflicting classifications of pathogenicity. Review status: criteria provided, conflicting classifications (1 of 4 stars). 3 submissions from 3 submitters: Uncertain significance (1); Likely benign (2). Last evaluated 2025-01-20.

Conditions:
Primary ciliary dyskinesia. Also called: Ciliary dyskinesia. Identifiers: Orphanet 244, MedGen C0008780, MONDO:0016575, HP:0012265.

Submissions (3):

Labcorp Genetics (formerly Invitae), Labcorp
Classification: Uncertain significance for Primary ciliary dyskinesia. Last evaluated: 2025-01-20. Review status: criteria provided, single submitter. Criteria: Invitae Variant Classification Sherloc (09022015). Collection method: clinical testing. Allele origin: germline.
Comment: This variant, c.2805_2807del, results in the deletion of 1 amino acid(s) of the RPGR (ORF15) protein (p.Glu936del), but otherwise preserves the integrity of the reading frame. The frequency data for this variant in the population databases is considered unreliable, as metrics indicate poor data quality at this position in the gnomAD database. This variant has not been reported in the literature in individuals affected with RPGR (ORF15)-related conditions. Experimental studies and prediction algorithms are not available or were not evaluated, and the functional significance of this variant is currently unknown. In summary, the available evidence is currently insufficient to determine the role of this variant in disease. Therefore, it has been classified as a Variant of Uncertain Significance.

Blueprint Genetics
Classification: Likely benign. Last evaluated: 2024-07-11. Review status: criteria provided, single submitter. Criteria: ACMG Guidelines, 2015. Collection method: clinical testing. Allele origin: germline.

PreventionGenetics, part of Exact Sciences
Classification: Likely benign. Last evaluated: 2016-09-08. Review status: criteria provided, single submitter. Criteria: ACMG Guidelines, 2015. Collection method: clinical testing. Allele origin: germline.